The following is an entry in ClinVar:

ClinVar aggregate classification (germline): Likely pathogenic (1 of 4 stars; one submission).

Conditions:
Seizures, benign familial neonatal, 1. Also called: Benign Neonatal Epilepsy 1; Seizures, benign neonatal, 1; KCNQ2-Related Benign Familial Neonatal Epilepsy; KCNQ2-Related Self-Limited Familial Neonatal Epilepsy (SLFNE). Identifiers: Orphanet 1949, MedGen C3149074, MONDO:0007365, OMIM 121200.

Submission:

Institute of Human Genetics, University of Goettingen
Classification: Likely pathogenic for Seizures, benign familial neonatal, 1. Last evaluated: 2025-01-15. Review status: criteria provided, single submitter. Criteria: ACMG Guidelines, 2015. Collection method: clinical testing. Allele origin: de novo. Affected: yes. Observed: 1 heterozygote.
Comment: PVS1_mod: Loss of function variant, product does not undergo nonsense mediated mRNA decay. Variant is located in the 3'-most exon, not predicted to undergo nonsense mediated mRNA decay. Fraction of 0.029 CDS is truncated, and there are 2 pathogenic variants in the truncated region. PM2_sup: absent from control PS2: de novo

NM_172107.4(KCNQ2):c.2543del (p.Pro848fs)

Gene: KCNQ2 (potassium voltage-gated channel subfamily Q member 2; minus strand). Cytogenetic location: 20q13.33.
Variant type: Deletion.
Coding change: c.2543del on transcript NM_172107.4 (MANE Select); coding-DNA position 2543, one base deleted (C; older notation c.2543delC).
Protein change: p.Pro848fs; shifts the reading frame from proline 848.
Molecular consequence: frameshift variant.
Genome position (GRCh38, 1-based): chr20:63,406,720, G deleted on the plus strand (C on the coding strand, the reverse complement: KCNQ2 is on the minus strand); the first of 4 consecutive G bases (chr20:63,406,720-63,406,723); deleting any one gives the same sequence. VCF-style (leftmost placement, unchanged base first): chr20-63406719-CG-C. GRCh37 (hg19) VCF-style: chr20-62038072-CG-C.
Other names: c.2597del, p.Pro866fs (NM_001382235.1); c.2459del, p.Pro820fs (NM_004518.6); c.2489del, p.Pro830fs (NM_172106.3); c.2450del, p.Pro817fs (NM_172108.5); short protein forms P820fs, P817fs, P830fs, P848fs, P866fs.
Identifiers: ClinVar variation 3572911 (VCV003572911.1).